The following is an entry in ClinVar:

NM_000489.6(ATRX):c.3943+3G>T

Gene: ATRX (ATRX chromatin remodeler; minus strand). Cytogenetic location: Xq21.1.
Variant type: single nucleotide variant.
Coding change: c.3943+3G>T on transcript NM_000489.6 (MANE Select); 3 bases into the intron after coding-DNA position 3943, G replaced by T.
Molecular consequence: intron variant.
Genome position (GRCh38, 1-based): chrX:77,664,642, C>A on the plus strand (G>T on the coding strand, the complement: ATRX is on the minus strand). VCF-style: chrX-77664642-C-A. GRCh37 (hg19) VCF-style: chrX-76920131-C-A.
Other names: c.3829+3G>T (NM_138270.5).
Identifiers: ClinVar variation 1683919 (VCV001683919.4), dbSNP rs781888847, ClinGen allele CA2573159546.

ClinVar aggregate classification (germline): Likely pathogenic (1 of 4 stars; one submission).

Submission:

GeneDx
Classification: Likely pathogenic. Last evaluated: 2026-09-01. Review status: criteria provided, single submitter. Criteria: GeneDx Variant Classification Process June 2021. Collection method: clinical testing. Allele origin: germline.
Comment: Targeted RNA studies in blood from this patient suggest altered RNA splicing. This altered RNA splicing leads to an aberrant splice product resulting from skipping of exon 11, which leads to a deletion of 134 nucleotides in the proband which was absent in the parents' samples. This event is out of frame and is predicted to create a premature stop codon leading to nonsense mediated decay or protein truncation. However, the wild type transcript was also detected in low levels in the proband sample.; Not observed at significant frequency in large population cohorts (gnomAD); Has not been previously published as pathogenic or benign to our knowledge